The following is an entry in ClinVar:

ClinVar aggregate classification (germline): Benign (1 of 4 stars; one submission).

Allele frequency attached by ClinVar (database versions not stated): 1000 Genomes Project 0.03834; 1000 Genomes Project 30x 0.03935; TOPMed 0.06878; gnomAD 0.07775 and 0.07929.
gnomAD v4.1: 11,771 of 152,134 alleles (7.7%); highest among the groups gnomAD compares: Non-Finnish European, 12%; 660 homozygotes.

Submission:

GeneDx
Classification: Benign. Last evaluated: 2018-06-14. Review status: criteria provided, single submitter. Criteria: GeneDx Variant Classification (06012015). Collection method: clinical testing. Allele origin: germline. Affected: yes.
Comment: This variant is considered likely benign or benign based on one or more of the following criteria: it is a conservative change, it occurs at a poorly conserved position in the protein, it is predicted to be benign by multiple in silico algorithms, and/or has population frequency not consistent with disease.

NM_000126.4(ETFA):c.452-268C>T

Gene: ETFA (electron transfer flavoprotein subunit alpha; minus strand). Cytogenetic location: 15q24.2.
Variant type: single nucleotide variant.
Coding change: c.452-268C>T on transcript NM_000126.4 (MANE Select); 268 bases into the intron before coding-DNA position 452, C replaced by T.
Molecular consequence: intron variant.
Genome position (GRCh38, 1-based): chr15:76,286,749, G>A on the plus strand (C>T on the coding strand, the complement: ETFA is on the minus strand). VCF-style: chr15-76286749-G-A. GRCh37 (hg19) VCF-style: chr15-76579090-G-A.
Other names: c.305-268C>T (NM_001127716.2).
Identifiers: ClinVar variation 671459 (VCV000671459.1), dbSNP rs10519134, ClinGen allele CA14172778.